The following is an entry in ClinVar:

NM_001130438.3(SPTAN1):c.5075G>A (p.Gly1692Asp)

Gene: SPTAN1 (spectrin alpha, non-erythrocytic 1; plus strand). Cytogenetic location: 9q34.11.
Variant type: single nucleotide variant.
Coding change: c.5075G>A on transcript NM_001130438.3 (MANE Select); coding-DNA position 5075, G replaced by A.
Protein change: p.Gly1692Asp; replaces glycine 1692 with aspartic acid.
Molecular consequence: missense variant.
Genome position (GRCh38, 1-based): chr9:128,613,412, G>A. VCF-style: chr9-128613412-G-A. GRCh37 (hg19) VCF-style: chr9-131375691-G-A.
Other names: c.5000G>A, p.Gly1667Asp (NM_001195532.2); c.5075G>A, p.Gly1692Asp (NM_001363759.2, NM_001375310.1, NM_001375311.2 and 1 more transcripts); c.5015G>A, p.Gly1672Asp (NM_001363765.2, NM_001375314.2); c.5111G>A, p.Gly1704Asp (NM_001375312.2, NM_001375318.1); c.5060G>A, p.Gly1687Asp (NM_003127.4); short protein forms G1667D, G1672D, G1687D, G1692D, G1704D.
Identifiers: ClinVar variation 3364098 (VCV003364098.2).

ClinVar aggregate classification (germline): Uncertain significance (1 of 4 stars; one submission).

Submission:

GeneDx
Classification: Uncertain significance. Last evaluated: 2026-04-08. Review status: criteria provided, single submitter. Criteria: GeneDx Variant Classification Process June 2021. Collection method: clinical testing. Allele origin: germline.
Comment: Not observed at significant frequency in large population cohorts (gnomAD); In silico analysis supports that this missense variant has a deleterious effect on protein structure/function; Has not been previously published as pathogenic or benign to our knowledge